The following is an entry in ClinVar:

ClinVar aggregate classification (germline): Likely benign (1 of 4 stars; one submission).

Allele frequency attached by ClinVar (database versions not stated): gnomAD 0.00001; TOPMed 0.00002; ExAC 0.00008.
gnomAD v4.1: 18 of 1,597,372 alleles (0.0011%); highest among the groups gnomAD compares: East Asian, 0.02%; no homozygotes.

Submissions (2):

CeGaT Center for Human Genetics Tuebingen
Classification: Likely benign. Last evaluated: 2023-01-01. Review status: criteria provided, single submitter. Criteria: CeGaT Center For Human Genetics Tuebingen Variant Classification Criteria Version 2. Collection method: clinical testing. Allele origin: germline. Affected: yes. Observed: 1 variant allele.
Comment: SMARCC2: BP4

Dr. Peter K. Rogan Lab, Western University
No classification provided (evidence only). Condition: Cervical cancer. Review status: no classification provided. Collection method: in vitro. Allele origin: not applicable. Functional consequence: retained intron. Not counted in ClinVar's aggregate classification.

NM_001330288.2(SMARCC2):c.3233-3C>T

Gene: SMARCC2 (SWI/SNF related BAF chromatin remodeling complex subunit C2; minus strand). Cytogenetic location: 12q13.2.
Variant type: single nucleotide variant.
Coding change: c.3233-3C>T on transcript NM_001330288.2 (MANE Select); 3 bases into the intron before coding-DNA position 3233, C replaced by T.
Molecular consequence: intron variant.
Genome position (GRCh38, 1-based): chr12:56,164,734, G>A on the plus strand (C>T on the coding strand, the complement: SMARCC2 is on the minus strand). VCF-style: chr12-56164734-G-A. GRCh37 (hg19) VCF-style: chr12-56558518-G-A.
Other names: NC_000012.11:g.56558518G>A; c.3140-3C>T (NM_003075.5); c.3233-3C>T (NM_139067.4, NM_001130420.3).
Identifiers: ClinVar variation 2643073 (VCV002643073.25), dbSNP rs774804446, ClinGen allele CA6625596.